The following is an entry in ClinVar:

ClinVar aggregate classification (germline): Uncertain significance (1 of 4 stars; one submission).

Allele frequency attached by ClinVar (database versions not stated): gnomAD 0.00001; TOPMed 0.00001; gnomAD exomes 0.00002; ExAC 0.00003.
gnomAD v4.1: 38 of 1,613,658 alleles (0.0024%); highest among the groups gnomAD compares: Non-Finnish European, 0.003%; no homozygotes.

Submission:

Labcorp Genetics (formerly Invitae), Labcorp
Classification: Uncertain significance. Last evaluated: 2023-07-18. Review status: criteria provided, single submitter. Criteria: Invitae Variant Classification Sherloc (09022015). Collection method: clinical testing. Allele origin: germline.
Comment: In summary, the available evidence is currently insufficient to determine the role of this variant in disease. Therefore, it has been classified as a Variant of Uncertain Significance. Variants that disrupt the consensus splice site are a relatively common cause of aberrant splicing (PMID: 17576681, 9536098). Algorithms developed to predict the effect of sequence changes on RNA splicing suggest that this variant is not likely to affect RNA splicing. ClinVar contains an entry for this variant (Variation ID: 934594). This variant has not been reported in the literature in individuals affected with CTR9-related conditions. This variant is present in population databases (rs779754878, gnomAD 0.005%). This sequence change falls in intron 1 of the CTR9 gene. It does not directly change the encoded amino acid sequence of the CTR9 protein. It affects a nucleotide within the consensus splice site.

Literature cited by the submitters: PubMed 17576681; PubMed 9536098.

NM_014633.5(CTR9):c.45+6T>C

Gene: CTR9 (CTR9 component of Paf1/RNA polymerase II complex; plus strand). Cytogenetic location: 11p15.4.
Variant type: single nucleotide variant.
Coding change: c.45+6T>C on transcript NM_014633.5 (MANE Select); 6 bases into the intron after coding-DNA position 45, T replaced by C.
Molecular consequence: intron variant.
Genome position (GRCh38, 1-based): chr11:10,751,463, T>C. VCF-style: chr11-10751463-T-C. GRCh37 (hg19) VCF-style: chr11-10773010-T-C.
Other names: c.45+6T>C (NM_001346279.2).
Identifiers: ClinVar variation 934594 (VCV000934594.7), dbSNP rs779754878, ClinGen allele CA5884767.